The following is an entry in ClinVar:

ClinVar aggregate classification (germline): Uncertain significance. Review status: criteria provided, multiple submitters, no conflicts (2 of 4 stars). 3 submissions from 3 submitters: Uncertain significance (3). Last evaluated 2026-09-02.

Conditions:
LRP2-related disorder. Also called: LRP2-related condition.
Donnai-Barrow syndrome. Also called: DBS/FOAR SYNDROME; FACIOOCULOACOUSTICORENAL SYNDROME. Identifiers: Orphanet 2143, MedGen C1857277, MONDO:0009104, OMIM 222448.
Inborn genetic diseases. Identifiers: MedGen C0950123, MeSH D030342.

Allele frequency attached by ClinVar (database versions not stated): gnomAD exomes below 0.00001; TOPMed below 0.00001; gnomAD 0.00001.
gnomAD v4.1: 3 of 1,614,080 alleles (0.00019%); highest among the groups gnomAD compares: Non-Finnish European, 0.00017%; no homozygotes.

Submissions (3):

Ambry Genetics
Classification: Uncertain significance for Inborn genetic diseases. Last evaluated: 2026-09-02. Review status: criteria provided, single submitter. Criteria: Ambry Variant Classification Scheme 2023. Collection method: clinical testing. Allele origin: germline.

Fulgent Genetics
Classification: Uncertain significance for Donnai-Barrow syndrome. Last evaluated: 2024-06-15. Review status: criteria provided, single submitter. Criteria: ACMG Guidelines, 2015. Collection method: clinical testing. Allele origin: germline.

PreventionGenetics, part of Exact Sciences
Classification: Uncertain significance for LRP2-related condition. Last evaluated: 2023-01-23. Review status: criteria provided, single submitter. Criteria: ACMG Guidelines, 2015. Collection method: clinical testing. Allele origin: germline.
Comment: The LRP2 c.10087A>C variant is predicted to result in the amino acid substitution p.Lys3363Gln. To our knowledge, this variant has not been reported in the literature or in a large population database, indicating this variant is rare. At this time, the clinical significance of this variant is uncertain due to the absence of conclusive functional and genetic evidence.

NM_004525.3(LRP2):c.10087A>C (p.Lys3363Gln)

Gene: LRP2 (LDL receptor related protein 2; minus strand). Cytogenetic location: 2q31.1.
Variant type: single nucleotide variant.
Coding change: c.10087A>C on transcript NM_004525.3 (MANE Select); coding-DNA position 10087, A replaced by C.
Protein change: p.Lys3363Gln; replaces lysine 3363 with glutamine.
Molecular consequence: missense variant.
Genome position (GRCh38, 1-based): chr2:169,181,530, T>G on the plus strand (A>C on the coding strand, the complement: LRP2 is on the minus strand). VCF-style: chr2-169181530-T-G. GRCh37 (hg19) VCF-style: chr2-170038040-T-G.
Other names: short protein forms K3363Q.
Identifiers: ClinVar variation 2636910 (VCV002636910.3), dbSNP rs1687430698, ClinGen allele CA349151034.